The following is an entry in ClinVar:

ClinVar aggregate classification (germline): Likely benign (0 of 4 stars; one submission).

Conditions:
TGIF1-related disorder. Also called: TGIF1-related condition.

Allele frequency attached by ClinVar (database versions not stated): gnomAD exomes below 0.00001; TOPMed 0.00001; gnomAD 0.00002.
gnomAD v4.1: 4 of 1,614,086 alleles (0.00025%); highest among the groups gnomAD compares: African/African-American, 0.0053%; no homozygotes.

Submission:

PreventionGenetics, part of Exact Sciences
Classification: Likely benign for TGIF1-related condition. Last evaluated: 2021-01-13. Review status: no assertion criteria provided. Collection method: clinical testing. Allele origin: germline.
Comment: This variant is classified as likely benign based on ACMG/AMP sequence variant interpretation guidelines (Richards et al. 2015 PMID: 25741868, with internal and published modifications).

NM_003244.4(TGIF1):c.465A>G (p.Pro155=)

Gene: TGIF1 (TGFB induced factor homeobox 1; plus strand). Cytogenetic location: 18p11.31.
Variant type: single nucleotide variant.
Coding change: c.465A>G on transcript NM_003244.4 (MANE Select); coding-DNA position 465, A replaced by G.
Protein change: p.Pro155=; no amino-acid change (proline 155 retained).
Molecular consequence: synonymous variant.
Genome position (GRCh38, 1-based): chr18:3,457,586, A>G. VCF-style: chr18-3457586-A-G. GRCh37 (hg19) VCF-style: chr18-3457584-A-G.
Other names: c.474A>G, p.Pro158= (NM_001278682.2); c.465A>G, p.Pro155= (NM_001278684.2, NM_173208.3); c.405A>G, p.Pro135= (NM_001278686.3, NM_001374396.1, NM_001374397.1 and 5 more transcripts); c.507A>G, p.Pro169= (NM_173207.4).
Identifiers: ClinVar variation 3030026 (VCV003030026.2), dbSNP rs1232226883, ClinGen allele CA502810559.